The following is an entry in ClinVar:

NM_001848.3(COL6A1):c.1271G>A (p.Arg424Gln)

Gene: COL6A1 (collagen type VI alpha 1 chain; plus strand). Cytogenetic location: 21q22.3.
Variant type: single nucleotide variant.
Coding change: c.1271G>A on transcript NM_001848.3 (MANE Select); coding-DNA position 1271, G replaced by A.
Protein change: p.Arg424Gln; replaces arginine 424 with glutamine.
Molecular consequence: missense variant.
Genome position (GRCh38, 1-based): chr21:45,992,397, G>A. VCF-style: chr21-45992397-G-A. GRCh37 (hg19) VCF-style: chr21-47412311-G-A.
Other names: short protein forms R424Q.
Identifiers: ClinVar variation 542977 (VCV000542977.11), dbSNP rs761729281, ClinGen allele CA10070202.

ClinVar aggregate classification (germline): Uncertain significance. Review status: criteria provided, multiple submitters, no conflicts (2 of 4 stars). 2 submissions from 2 submitters: Uncertain significance (2). Last evaluated 2025-07-15.

Conditions:
Bethlem myopathy 1A. Also called: MYOPATHY, BENIGN CONGENITAL, WITH CONTRACTURES; Bethlem Muscular Dystrophy; Bethlem myopathy 1. Identifiers: Orphanet 610, MedGen CN029274, MONDO:0024530, OMIM 158810.
Inborn genetic diseases. Identifiers: MedGen C0950123, MeSH D030342.

Allele frequency attached by ClinVar (database versions not stated): ExAC 0.00001; gnomAD exomes 0.00001; gnomAD 0.00003 and 0.00004; TOPMed 0.00004.
gnomAD v4.1: 28 of 1,612,852 alleles (0.0017%); highest among the groups gnomAD compares: African/African-American, 0.012%; no homozygotes.

Submissions (2):

Ambry Genetics
Classification: Uncertain significance for Inborn genetic diseases. Last evaluated: 2025-07-15. Review status: criteria provided, single submitter. Criteria: Ambry Variant Classification Scheme 2023. Collection method: clinical testing. Allele origin: germline.

Labcorp Genetics (formerly Invitae), Labcorp
Classification: Uncertain significance for Bethlem myopathy 1A. Last evaluated: 2025-05-30. Review status: criteria provided, single submitter. Criteria: Invitae Variant Classification Sherloc (09022015). Collection method: clinical testing. Allele origin: germline.
Comment: This sequence change replaces arginine, which is basic and polar, with glutamine, which is neutral and polar, at codon 424 of the COL6A1 protein (p.Arg424Gln). This variant is present in population databases (rs761729281, gnomAD 0.01%). This variant has not been reported in the literature in individuals affected with COL6A1-related conditions. ClinVar contains an entry for this variant (Variation ID: 542977). Experimental studies and prediction algorithms are not available or were not evaluated, and the functional significance of this variant is currently unknown. In summary, the available evidence is currently insufficient to determine the role of this variant in disease. Therefore, it has been classified as a Variant of Uncertain Significance.